The following is an entry in ClinVar:

ClinVar aggregate classification (germline): Uncertain significance (1 of 4 stars; one submission).

Submission:

Labcorp Genetics (formerly Invitae), Labcorp
Classification: Uncertain significance. Last evaluated: 2024-03-13. Review status: criteria provided, single submitter. Criteria: Invitae Variant Classification Sherloc (09022015). Collection method: clinical testing. Allele origin: germline.
Comment: This sequence change creates a premature translational stop signal (p.Tyr935Leufs*33) in the RFX7 gene. While this is not anticipated to result in nonsense mediated decay, it is expected to disrupt the last 526 amino acid(s) of the RFX7 protein. This variant is not present in population databases (gnomAD no frequency). This variant has not been reported in the literature in individuals affected with RFX7-related conditions. In summary, the available evidence is currently insufficient to determine the role of this variant in disease. Therefore, it has been classified as a Variant of Uncertain Significance.

NM_022841.7(RFX7):c.2801dup (p.Tyr935fs)

Gene: RFX7 (regulatory factor X7; minus strand). Cytogenetic location: 15q21.3.
Variant type: Duplication.
Coding change: c.2801dup on transcript NM_022841.7 (MANE Select); coding-DNA position 2801, one base duplicated (T; older notation c.2801dupT).
Protein change: p.Tyr935fs; shifts the reading frame from tyrosine 935.
Molecular consequence: frameshift variant.
Genome position (GRCh38, 1-based): chr15:56,094,927, A duplicated on the plus strand (T on the coding strand, the reverse complement: RFX7 is on the minus strand); the first of 2 consecutive A bases (chr15:56,094,927-56,094,928); duplicating either gives the same sequence. VCF-style (leftmost placement, unchanged base first): chr15-56094926-G-GA. GRCh37 (hg19) VCF-style: chr15-56387124-G-GA.
Other names: c.2510dup, p.Tyr838fs (NM_001368073.2, NM_001368074.1, NM_001370554.1); c.2801dup, p.Tyr935fs (NM_001370561.1); short protein forms Y838fs, Y935fs.
Identifiers: ClinVar variation 3645883 (VCV003645883.2).